The following is an entry in ClinVar:

ClinVar aggregate classification (germline): Uncertain significance (1 of 4 stars; one submission).

Conditions:
Multiple acyl-CoA dehydrogenase deficiency (MADD). Also called: Glutaric aciduria, type 2; ETHYLMALONIC-ADIPICACIDURIA; GA II; Glutaric acidemia type II; GA 2; Glutaric Acidemia type 2. Identifiers: Orphanet 26791, MedGen C0268596, MONDO:0009282, OMIM 231680.

Allele frequency attached by ClinVar (database versions not stated): gnomAD exomes below 0.00001.
gnomAD v4.1: 1 of 1,613,664 alleles (0.000062%); highest among the groups gnomAD compares: Admixed American, 0.0017%; no homozygotes.

Submission:

Labcorp Genetics (formerly Invitae), Labcorp
Classification: Uncertain significance for Multiple acyl-CoA dehydrogenase deficiency. Last evaluated: 2024-02-17. Review status: criteria provided, single submitter. Criteria: Invitae Variant Classification Sherloc (09022015). Collection method: clinical testing. Allele origin: germline.
Comment: This sequence change replaces isoleucine, which is neutral and non-polar, with methionine, which is neutral and non-polar, at codon 477 of the ETFDH protein (p.Ile477Met). This variant is not present in population databases (gnomAD no frequency). This variant has not been reported in the literature in individuals affected with ETFDH-related conditions. ClinVar contains an entry for this variant (Variation ID: 1430405). Advanced modeling of protein sequence and biophysical properties (such as structural, functional, and spatial information, amino acid conservation, physicochemical variation, residue mobility, and thermodynamic stability) performed at Invitae indicates that this missense variant is not expected to disrupt ETFDH protein function with a negative predictive value of 80%. In summary, the available evidence is currently insufficient to determine the role of this variant in disease. Therefore, it has been classified as a Variant of Uncertain Significance.

NM_004453.4(ETFDH):c.1431A>G (p.Ile477Met)

Gene: ETFDH (electron transfer flavoprotein dehydrogenase; plus strand). Cytogenetic location: 4q32.1.
Variant type: single nucleotide variant.
Coding change: c.1431A>G on transcript NM_004453.4 (MANE Select); coding-DNA position 1431, A replaced by G.
Protein change: p.Ile477Met; replaces isoleucine 477 with methionine.
Molecular consequence: missense variant.
Genome position (GRCh38, 1-based): chr4:158,706,334, A>G. VCF-style: chr4-158706334-A-G. GRCh37 (hg19) VCF-style: chr4-159627486-A-G.
Other names: c.1290A>G, p.Ile430Met (NM_001281737.2); c.1248A>G, p.Ile416Met (NM_001281738.1); short protein forms I416M, I430M, I477M.
Identifiers: ClinVar variation 1430405 (VCV001430405.5), dbSNP rs2126315307, ClinGen allele CA358564566.
Genomic context (GRCh38, chr4:158,706,334, plus strand): 5'-CTGCCACGGAGTACTGGGTGTATATGGAGGGATGATTTACACTGGAATCTTTTACTGGAT[A>G]TTGAGAGGAATGGAGCCGTGGACTCTGAAACATAAAGGTAATTCAAACAAGAGTATGAGT-3'
Protein context (NP_004444.2, residues 467-487): GMIYTGIFYW[Ile477Met]LRGMEPWTLK